The following is an entry in ClinVar:

ClinVar aggregate classification (germline): Uncertain significance. Review status: criteria provided, multiple submitters, no conflicts (2 of 4 stars). 3 submissions from 3 submitters: Uncertain significance (3). Last evaluated 2025-07-16.

Conditions:
Hereditary cancer-predisposing syndrome. Also called: Neoplastic Syndromes, Hereditary; Tumor predisposition; Hereditary Cancer Syndrome; Hereditary neoplastic syndrome. Identifiers: Orphanet 140162, MedGen C0027672, MeSH D009386, MONDO:0015356.
SDHB-related disorder. Also called: SDHB-related condition; SDHB-related disorders. Identifiers: MedGen CN239418.
Pheochromocytoma. Also called: MAX-Related Hereditary Paraganglioma-Pheochromocytoma Syndrome. Identifiers: Orphanet 29072, MedGen C0031511, MONDO:0008233, OMIM 171300, HP:0002666.
Gastrointestinal stromal tumor. Also called: Gastrointestinal stroma tumor; Gastrointestinal stromal tumor, somatic. Identifiers: Orphanet 44890, MedGen C0238198, MeSH D046152, MONDO:0011719, OMIM 606764, HP:0100723.
Pheochromocytoma/paraganglioma syndrome 4. Also called: CAROTID BODY TUMORS AND MULTIPLE EXTRAADRENAL PHEOCHROMOCYTOMAS; PARAGANGLIOMA, FAMILIAL MALIGNANT; PARAGANGLIOMAS, HEREDITARY EXTRAADRENAL; PHEOCHROMOCYTOMA, FAMILIAL EXTRAADRENAL; Paragangliomas 4; SDHB-Related Hereditary Paraganglioma-Pheochromocytoma Syndrome (Paragangliomas 4). Identifiers: Orphanet 29072, MedGen C1861848, MONDO:0007273, OMIM 115310.

Allele frequency attached by ClinVar (database versions not stated): gnomAD exomes below 0.00001; TOPMed below 0.00001.
gnomAD v4.1: 3 of 1,614,142 alleles (0.00019%); highest among the groups gnomAD compares: Non-Finnish European, 0.00025%; no homozygotes.

Submissions (3):

PreventionGenetics, part of Exact Sciences
Classification: Uncertain significance for SDHB-related condition. Last evaluated: 2025-07-16. Review status: criteria provided, single submitter. Criteria: ACMG Guidelines, 2015. Collection method: clinical testing. Allele origin: germline.
Comment: The SDHB c.361C>T variant is predicted to result in the amino acid substitution p.Leu121Phe. To our knowledge, this variant has not been reported in the literature or in a large population database (gnomAD), indicating this variant is rare. An alternative missense variant at this position (p.Leu121Pro) has been reported as a germline variant in a PTEN-negative patient with Cowden-like syndrome (Table S2 in Ni. 2012. PubMed ID: 22829200). The c.361C>T p.(Leu121Phe) is classified as uncertain in ClinVar. At this time, the clinical significance of this variant is uncertain due to the absence of conclusive functional and genetic evidence.

Labcorp Genetics (formerly Invitae), Labcorp
Classification: Uncertain significance for Gastrointestinal stromal tumor; Pheochromocytoma/paraganglioma syndrome 4; Pheochromocytoma. Last evaluated: 2024-04-30. Review status: criteria provided, single submitter. Criteria: Invitae Variant Classification Sherloc (09022015). Collection method: clinical testing. Allele origin: germline.
Comment: This sequence change replaces leucine, which is neutral and non-polar, with phenylalanine, which is neutral and non-polar, at codon 121 of the SDHB protein (p.Leu121Phe). This variant is not present in population databases (gnomAD no frequency). This variant has not been reported in the literature in individuals affected with SDHB-related conditions. ClinVar contains an entry for this variant (Variation ID: 570370). Advanced modeling of protein sequence and biophysical properties (such as structural, functional, and spatial information, amino acid conservation, physicochemical variation, residue mobility, and thermodynamic stability) performed at Invitae indicates that this missense variant is not expected to disrupt SDHB protein function with a negative predictive value of 80%. In summary, the available evidence is currently insufficient to determine the role of this variant in disease. Therefore, it has been classified as a Variant of Uncertain Significance.

Ambry Genetics
Classification: Uncertain significance for Hereditary cancer-predisposing syndrome. Last evaluated: 2024-02-23. Review status: criteria provided, single submitter. Criteria: Ambry Variant Classification Scheme 2023. Collection method: clinical testing. Allele origin: germline.
Comment: The p.L121F variant (also known as c.361C>T), located in coding exon 4 of the SDHB gene, results from a C to T substitution at nucleotide position 361. The leucine at codon 121 is replaced by phenylalanine, an amino acid with highly similar properties. This amino acid position is not well conserved in available vertebrate species. In addition, the in silico prediction for this alteration is inconclusive. Since supporting evidence is limited at this time, the clinical significance of this alteration remains unclear.

NM_003000.3(SDHB):c.361C>T (p.Leu121Phe)

Gene: SDHB (succinate dehydrogenase complex iron sulfur subunit B; minus strand). Cytogenetic location: 1p36.13.
Variant type: single nucleotide variant.
Coding change: c.361C>T on transcript NM_003000.3 (MANE Select); coding-DNA position 361, C replaced by T.
Protein change: p.Leu121Phe; replaces leucine 121 with phenylalanine.
Molecular consequence: missense variant.
Genome position (GRCh38, 1-based): chr1:17,028,662, G>A on the plus strand (C>T on the coding strand, the complement: SDHB is on the minus strand). VCF-style: chr1-17028662-G-A. GRCh37 (hg19) VCF-style: chr1-17355157-G-A.
Other names: short protein forms L121F.
Identifiers: ClinVar variation 570370 (VCV000570370.11), dbSNP rs1194401420, ClinGen allele CA338274493.